The following is an entry in ClinVar:

NM_017934.7(PHIP):c.3088A>G (p.Thr1030Ala)

Genes: IRAK1BP1 (interleukin 1 receptor associated kinase 1 binding protein 1; plus strand), PHIP (PHIP subunit of CUL4-Ring ligase complex; minus strand). Cytogenetic location: 6q14.1.
Variant type: single nucleotide variant.
Coding change: c.3088A>G on transcript NM_017934.7 (MANE Select); coding-DNA position 3088, A replaced by G.
Protein change: p.Thr1030Ala; replaces threonine 1030 with alanine.
Molecular consequence: missense variant.
Genome position (GRCh38, 1-based): chr6:78,970,083, T>C on the plus strand (A>G on the coding strand, the complement: PHIP is on the minus strand). VCF-style: chr6-78970083-T-C. GRCh37 (hg19) VCF-style: chr6-79679800-T-C.
Other names: short protein forms T1030A.
Identifiers: ClinVar variation 5000728 (VCV005000728.1).

ClinVar aggregate classification (germline): Uncertain significance (1 of 4 stars; one submission).

Conditions:
PHIP-related disorder. Also called: PHIP-related disorders; PHIP-related condition.

Submission:

PreventionGenetics, part of Exact Sciences
Classification: Uncertain significance for PHIP-related condition. Last evaluated: 2025-05-29. Review status: criteria provided, single submitter. Criteria: ACMG Guidelines, 2015. Collection method: clinical testing. Allele origin: germline.
Comment: The PHIP c.3088A>G variant is predicted to result in the amino acid substitution p.Thr1030Ala. To our knowledge, this variant has not been reported in the literature or in a large population database (gnomAD), indicating this variant is rare. At this time, the clinical significance of this variant is uncertain due to the absence of conclusive functional and genetic evidence.